The following is an entry in ClinVar:

NM_001042492.3(NF1):c.1945_1946del (p.Glu649fs)

Gene: NF1 (neurofibromin 1; plus strand). Cytogenetic location: 17q11.2.
Variant type: Deletion.
Coding change: c.1945_1946del on transcript NM_001042492.3 (MANE Select); coding-DNA positions 1945 to 1946, 2 bases deleted (GA; older notation c.1945_1946delGA).
Protein change: p.Glu649fs; shifts the reading frame from glutamic acid 649.
Molecular consequence: frameshift variant.
Genome position (GRCh38, 1-based): chr17:31,225,194-31,225,195, GA deleted; deleting any 2 consecutive bases within chr17:31,225,193-31,225,195 gives the same sequence; the c. name uses the placement nearest the transcript's 3' end. VCF-style (leftmost placement, unchanged base first): chr17-31225192-AAG-A. GRCh37 (hg19) VCF-style: chr17-29552210-AAG-A.
Other names: c.1945_1946del, p.Glu649fs (NM_000267.4); short protein forms E649fs.
Identifiers: ClinVar variation 4729092 (VCV004729092.1).

ClinVar aggregate classification (germline): Pathogenic (1 of 4 stars; one submission).

Conditions:
Neurofibromatosis, type 1 (NF1). Also called: VON RECKLINGHAUSEN DISEASE; Peripheral type neurofibromatosis; NEUROFIBROMATOSIS, TYPE I, SOMATIC; Neurofibromatosis, type I. Identifiers: Orphanet 636, MedGen C0027831, MONDO:0018975, OMIM 162200. Disease mechanism: loss of function.

Submission:

Labcorp Genetics (formerly Invitae), Labcorp
Classification: Pathogenic for Neurofibromatosis, type 1. Last evaluated: 2025-10-13. Review status: criteria provided, single submitter. Criteria: Invitae Variant Classification Sherloc (09022015). Collection method: clinical testing. Allele origin: germline.
Comment: This sequence change creates a premature translational stop signal (p.Glu649Ilefs*20) in the NF1 gene. It is expected to result in an absent or disrupted protein product. Loss-of-function variants in NF1 are known to be pathogenic (PMID: 10712197, 23913538). This variant is not present in population databases (gnomAD no frequency). This variant has not been reported in the literature in individuals affected with NF1-related conditions. For these reasons, this variant has been classified as Pathogenic.

Literature cited by the submitters: PubMed 10712197; PubMed 23913538.